The following is an entry in ClinVar:

ClinVar aggregate classification (germline): Benign (1 of 4 stars; one submission).

Allele frequency attached by ClinVar (database versions not stated): gnomAD 0.49428 and 0.50759; TOPMed 0.49756; 1000 Genomes Project 30x 0.53132; 1000 Genomes Project 0.53748.
gnomAD v4.1: 55,149 of 108,489 alleles (51%); highest among the groups gnomAD compares: South Asian, 76%; 11,396 homozygotes.

Submission:

GeneDx
Classification: Benign. Last evaluated: 2018-06-14. Review status: criteria provided, single submitter. Criteria: GeneDx Variant Classification (06012015). Collection method: clinical testing. Allele origin: germline. Affected: yes.
Comment: This variant is considered likely benign or benign based on one or more of the following criteria: it is a conservative change, it occurs at a poorly conserved position in the protein, it is predicted to be benign by multiple in silico algorithms, and/or has population frequency not consistent with disease.

NM_004006.3(DMD):c.5586+238G>A

Gene: DMD (dystrophin; minus strand). Cytogenetic location: Xp21.1.
Variant type: single nucleotide variant.
Coding change: c.5586+238G>A on transcript NM_004006.3 (MANE Select); 238 bases into the intron after coding-DNA position 5586, G replaced by A.
Molecular consequence: intron variant.
Genome position (GRCh38, 1-based): chrX:32,345,705, C>T on the plus strand (G>A on the coding strand, the complement: DMD is on the minus strand). VCF-style: chrX-32345705-C-T. GRCh37 (hg19) VCF-style: chrX-32363822-C-T.
Other names: c.5562+238G>A (NM_000109.4); c.1563+238G>A (NM_004011.4); c.1554+238G>A (NM_004012.4); c.5574+238G>A (NM_004009.3); c.5217+238G>A (NM_004010.3).
Identifiers: ClinVar variation 679286 (VCV000679286.1), dbSNP rs1325579, ClinGen allele CA327983426.